The following is an entry in ClinVar:

NM_000117.3(EMD):c.610C>G (p.Arg204Gly)

Gene: EMD (emerin; plus strand). Cytogenetic location: Xq28.
Variant type: single nucleotide variant.
Coding change: c.610C>G on transcript NM_000117.3 (MANE Select); coding-DNA position 610, C replaced by G.
Protein change: p.Arg204Gly; replaces arginine 204 with glycine.
Molecular consequence: missense variant.
Genome position (GRCh38, 1-based): chrX:154,381,042, C>G. VCF-style: chrX-154381042-C-G. GRCh37 (hg19) VCF-style: chrX-153609402-C-G.
Other names: short protein forms R204G.
Identifiers: ClinVar variation 286452 (VCV000286452.20), dbSNP rs782299893, ClinGen allele CA10561646.

ClinVar aggregate classification (germline): Conflicting classifications of pathogenicity. Review status: criteria provided, conflicting classifications (1 of 4 stars). 5 submissions from 5 submitters: Uncertain significance (3); Likely benign (2). Last evaluated 2026-01-12.

Conditions:
Cardiovascular phenotype. Identifiers: MedGen CN230736.
X-linked Emery-Dreifuss muscular dystrophy. Also called: Muscular dystrophy, tardive Emery-Dreifuss type, with contractures. Identifiers: Orphanet 261, Orphanet 98863, MedGen C0751337, MONDO:0010680.
Emery-Dreifuss muscular dystrophy 1, X-linked (EDMD1). Also called: SCAPULOPERONEAL SYNDROME, X-LINKED; HUMEROPERONEAL NEUROMUSCULAR DISEASE; Muscular dystrophy, tardive, Dreifuss-Emery type, with contractures; EMD-Related Emery-Dreifuss Muscular Dystrophy, X-Linked. Identifiers: MedGen CN375556, MONDO:0100531, OMIM 310300.

Allele frequency attached by ClinVar (database versions not stated): TOPMed 0.00005.

Submissions (5):

Labcorp Genetics (formerly Invitae), Labcorp
Classification: Likely benign for X-linked Emery-Dreifuss muscular dystrophy. Last evaluated: 2026-01-12. Review status: criteria provided, single submitter. Criteria: Invitae Variant Classification Sherloc (09022015). Collection method: clinical testing. Allele origin: germline.

Ambry Genetics
Classification: Likely benign for Cardiovascular phenotype. Last evaluated: 2024-05-01. Review status: criteria provided, single submitter. Criteria: Ambry Variant Classification Scheme 2023. Collection method: clinical testing. Allele origin: germline.

Revvity Omics, Revvity
Classification: Uncertain significance for Emery-Dreifuss muscular dystrophy 1, X-linked. Last evaluated: 2021-06-21. Review status: criteria provided, single submitter. Criteria: ACMG Guidelines, 2015. Collection method: clinical testing. Allele origin: germline.

GeneDx
Classification: Uncertain significance. Last evaluated: 2017-01-03. Review status: criteria provided, single submitter. Criteria: GeneDx Variant Classification (06012015). Collection method: clinical testing. Allele origin: germline. Affected: yes.
Comment: A variant of uncertain significance has been identified in the EMD gene. The R204G variant has not been published as a pathogenic variant, nor has it been reported as a benign variant to our knowledge. The R204G variant is a non-conservative amino acid substitution, which is likely to impact secondary protein structure as these residues differ in polarity, charge, size and/or other properties. However, this substitution occurs at a position that is not conserved across species, and in silico analysis is inconsistent in its predictions as to whether or not the variant is damaging to the protein structure/function. Finally, the Exome Aggregation Consortium (ExAC) reports R204G was observed in 17/9310 alleles (0.18%) in individuals of Latino background, including 5 hemizygous males, indicating it may be a rare benign variant in this population.Therefore, based on the currently available information, it is unclear whether this variant is pathogenic or rare benign. This result cannot be interpreted for diagnosis or used for family member screening at this time.

Eurofins Ntd Llc (ga)
Classification: Uncertain significance. Last evaluated: 2016-03-03. Review status: criteria provided, single submitter. Criteria: EGL Classification Definitions 2015. Collection method: clinical testing. Allele origin: germline. Observed: 1 variant allele, 1 heterozygote.